The following is an entry in ClinVar:

NM_025257.3(SLC44A4):c.937C>G (p.Leu313Val)

Gene: SLC44A4 (solute carrier family 44 member 4; minus strand). Cytogenetic location: 6p21.33.
Variant type: single nucleotide variant.
Coding change: c.937C>G on transcript NM_025257.3 (MANE Select); coding-DNA position 937, C replaced by G.
Protein change: p.Leu313Val; replaces leucine 313 with valine.
Molecular consequence: missense variant.
Genome position (GRCh38, 1-based): chr6:31,870,812, G>C on the plus strand (C>G on the coding strand, the complement: SLC44A4 is on the minus strand). VCF-style: chr6-31870812-G-C. GRCh37 (hg19) VCF-style: chr6-31838589-G-C.
Other names: c.811C>G, p.Leu271Val (NM_001178044.2); c.709C>G, p.Leu237Val (NM_001178045.2); c.937C>G (NM_025257.2); short protein forms L237V, L271V, L313V.
Identifiers: ClinVar variation 1578809 (VCV001578809.11), dbSNP rs142048266, ClinGen allele CA3725554.

ClinVar aggregate classification (germline): Likely benign. Review status: criteria provided, multiple submitters, no conflicts (2 of 4 stars). 3 submissions from 3 submitters: Likely benign (2). 1 of the submissions does not count toward it. Last evaluated 2026-01-16.

Conditions:
SLC44A4-related disorder. Also called: SLC44A4-related condition.

Allele frequency attached by ClinVar (database versions not stated): ExAC 0.00017; gnomAD exomes 0.00017; ESP Exome Variant Server 0.00047; 1000 Genomes Project 0.00060; gnomAD 0.00060 and 0.00068; TOPMed 0.00068; 1000 Genomes Project 30x 0.00094.
gnomAD v4.1: 162 of 1,613,006 alleles (0.01%); highest among the groups gnomAD compares: African/African-American, 0.19%; no homozygotes.

Submissions (3):

Women's Health and Genetics/Laboratory Corporation of America, LabCorp
Classification: Likely benign. Last evaluated: 2026-01-16. Review status: criteria provided, single submitter. Criteria: LabCorp Variant Classification Summary - May 2015. Collection method: clinical testing. Allele origin: germline.
Comment: Variant summary: SLC44A4 c.937C>G (p.Leu313Val) results in a conservative amino acid change in the encoded protein sequence. Algorithms developed to predict the effect of missense changes on protein structure and function all suggest that this variant is likely to be tolerated. Consensus agreement among computation tools predict no significant impact on normal splicing. However, these predictions have yet to be confirmed by functional studies. The variant allele was found at a frequency of 0.00017 in 245858 control chromosomes, predominantly at a frequency of 0.0023 within the African or African-American subpopulation in the gnomAD database. The observed variant frequency within African or African-American control individuals in the gnomAD database exceeds the estimated maximal expected allele frequency for disease-causing variants in SLC44A4. To our knowledge, no occurrence of c.937C>G in individuals affected with SLC44A4-related conditions and no experimental evidence demonstrating its impact on protein function have been reported. ClinVar contains an entry for this variant (Variation ID: 1578809). Based on the evidence outlined above, the variant was classified as likely benign.

Labcorp Genetics (formerly Invitae), Labcorp
Classification: Likely benign. Last evaluated: 2025-09-02. Review status: criteria provided, single submitter. Criteria: Invitae Variant Classification Sherloc (09022015). Collection method: clinical testing. Allele origin: germline.

PreventionGenetics, part of Exact Sciences
Classification: Likely benign for SLC44A4-related condition. Last evaluated: 2024-04-03. Review status: no assertion criteria provided. Collection method: clinical testing. Allele origin: germline. Not counted in ClinVar's aggregate classification.
Comment: This variant is classified as likely benign based on ACMG/AMP sequence variant interpretation guidelines (Richards et al. 2015 PMID: 25741868, with internal and published modifications).